The following is an entry in ClinVar:

NM_002485.5(NBN):c.1691A>T (p.Glu564Val)

Gene: NBN (nibrin; minus strand). Cytogenetic location: 8q21.3.
Variant type: single nucleotide variant.
Coding change: c.1691A>T on transcript NM_002485.5 (MANE Select); coding-DNA position 1691, A replaced by T.
Protein change: p.Glu564Val; replaces glutamic acid 564 with valine.
Molecular consequence: missense variant.
Genome position (GRCh38, 1-based): chr8:89,953,398, T>A on the plus strand (A>T on the coding strand, the complement: NBN is on the minus strand). VCF-style: chr8-89953398-T-A. GRCh37 (hg19) VCF-style: chr8-90965626-T-A.
Other names: c.1445A>T, p.Glu482Val (NM_001024688.3, NM_001440379.1, NM_001440380.1); short protein forms E482V, E564V.
Identifiers: ClinVar variation 5025402 (VCV005025402.1).

ClinVar aggregate classification (germline): Uncertain significance (1 of 4 stars; one submission).

Conditions:
Hereditary cancer-predisposing syndrome. Also called: Neoplastic Syndromes, Hereditary; Tumor predisposition; Hereditary neoplastic syndrome; Hereditary Cancer Syndrome. Identifiers: Orphanet 140162, MedGen C0027672, MeSH D009386, MONDO:0015356.

Submission:

Ambry Genetics
Classification: Uncertain significance for Hereditary cancer-predisposing syndrome. Last evaluated: 2026-07-06. Review status: criteria provided, single submitter. Criteria: Ambry Variant Classification Scheme 2023. Collection method: clinical testing. Allele origin: germline.
Comment: The p.E564V variant (also known as c.1691A>T), located in coding exon 11 of the NBN gene, results from an A to T substitution at nucleotide position 1691. The glutamic acid at codon 564 is replaced by valine, an amino acid with dissimilar properties. This amino acid position is conserved. In addition, this alteration is predicted to be tolerated by in silico analysis. Based on the available evidence, the clinical significance of this variant remains unclear.